The following is an entry in ClinVar:

ClinVar aggregate classification (germline): Uncertain significance. Review status: criteria provided, multiple submitters, no conflicts (2 of 4 stars). 3 submissions from 3 submitters: Uncertain significance (3). Last evaluated 2026-01-28.

Conditions:
Inborn genetic diseases. Identifiers: MedGen C0950123, MeSH D030342.

Allele frequency attached by ClinVar (database versions not stated): gnomAD 0.00001; TOPMed 0.00001.
gnomAD v4.1: 4 of 1,614,124 alleles (0.00025%); highest among the groups gnomAD compares: Non-Finnish European, 0.00034%; no homozygotes.

Submissions (3):

Labcorp Genetics (formerly Invitae), Labcorp
Classification: Uncertain significance. Last evaluated: 2026-01-28. Review status: criteria provided, single submitter. Criteria: Invitae Variant Classification Sherloc (09022015). Collection method: clinical testing. Allele origin: germline.
Comment: This sequence change replaces proline, which is neutral and non-polar, with histidine, which is basic and polar, at codon 1834 of the SRCAP protein (p.Pro1834His). This variant is present in population databases (no rsID available, gnomAD 0.007%). This variant has not been reported in the literature in individuals affected with SRCAP-related conditions. ClinVar contains an entry for this variant (Variation ID: 2436487). Invitae Evidence Modeling of protein sequence and biophysical properties (such as structural, functional, and spatial information, amino acid conservation, physicochemical variation, residue mobility, and thermodynamic stability) indicates that this missense variant is not expected to disrupt SRCAP protein function with a negative predictive value of 80%. In summary, the available evidence is currently insufficient to determine the role of this variant in disease. Therefore, it has been classified as a Variant of Uncertain Significance.

Ambry Genetics
Classification: Uncertain significance for Inborn genetic diseases. Last evaluated: 2025-10-22. Review status: criteria provided, single submitter. Criteria: Ambry Variant Classification Scheme 2023. Collection method: clinical testing. Allele origin: germline.

Revvity Omics, Revvity
Classification: Uncertain significance. Last evaluated: 2019-07-10. Review status: criteria provided, single submitter. Criteria: ACMG Guidelines, 2015. Collection method: clinical testing. Allele origin: germline.

NM_006662.3(SRCAP):c.5501C>A (p.Pro1834His)

Gene: SRCAP (Snf2 related CREBBP activator protein; plus strand). Cytogenetic location: 16p11.2.
Variant type: single nucleotide variant.
Coding change: c.5501C>A on transcript NM_006662.3 (MANE Select); coding-DNA position 5501, C replaced by A.
Protein change: p.Pro1834His; replaces proline 1834 with histidine.
Molecular consequence: missense variant.
Genome position (GRCh38, 1-based): chr16:30,724,925, C>A. VCF-style: chr16-30724925-C-A. GRCh37 (hg19) VCF-style: chr16-30736246-C-A.
Other names: short protein forms P1834H.
Identifiers: ClinVar variation 2436487 (VCV002436487.5), dbSNP rs755109993, ClinGen allele CA395618692.
Genomic context (GRCh38, chr16:30,724,925, plus strand): 5'-AGTCCCCAGCTTCCCAGGCATCTTCCCTTGTGGTTTCGGCATCTGGTGCCGCTCCCTTGC[C>A]TGTCACCATGGTATCCCGGCTGCCTGTTTCCAAGGATGAGCCTGACACACTGACATTGCG-3'
Protein context (NP_006653.2, residues 1824-1844): VVSASGAAPL[Pro1834His]VTMVSRLPVS